The following is an entry in ClinVar:

NM_021120.4(DLG3):c.1388C>T (p.Ala463Val)

Genes: DLG3 (discs large MAGUK scaffold protein 3; plus strand), DLG3-AS1 (DLG3 antisense RNA 1; minus strand). Cytogenetic location: Xq13.1.
Variant type: single nucleotide variant.
Coding change: c.1388C>T on transcript NM_021120.4 (MANE Select); coding-DNA position 1388, C replaced by T.
Protein change: p.Ala463Val; replaces alanine 463 with valine.
Molecular consequence: missense variant.
Genome position (GRCh38, 1-based): chrX:70,454,299, C>T. VCF-style: chrX-70454299-C-T. GRCh37 (hg19) VCF-style: chrX-69674149-C-T.
Other names: c.377C>T, p.Ala126Val (NM_020730.3); short protein forms A463V, A126V.
Identifiers: ClinVar variation 210849 (VCV000210849.17), dbSNP rs371545673, ClinGen allele CA208859.

ClinVar aggregate classification (germline): Likely benign. Review status: criteria provided, multiple submitters, no conflicts (2 of 4 stars). 3 submissions from 3 submitters: Likely benign (3). Last evaluated 2025-05-01.

Conditions:
Inborn genetic diseases. Identifiers: MedGen C0950123, MeSH D030342.

Allele frequency attached by ClinVar (database versions not stated): ExAC 0.00001; gnomAD exomes 0.00001 and 0.00002; ESP Exome Variant Server 0.00009; TOPMed 0.00012; gnomAD 0.00017 and 0.00018.
gnomAD v4.1: 28 of 1,207,737 alleles (0.0023%); highest among the groups gnomAD compares: African/African-American, 0.037%; no homozygotes.

Submissions (3):

CeGaT Center for Human Genetics Tuebingen
Classification: Likely benign. Last evaluated: 2025-05-01. Review status: criteria provided, single submitter. Criteria: CeGaT Center For Human Genetics Tuebingen Variant Classification Criteria Version 2. Collection method: clinical testing. Allele origin: germline. Affected: yes. Observed: 1 variant allele.
Comment: DLG3: BS2

Ambry Genetics
Classification: Likely benign for Inborn genetic diseases. Last evaluated: 2025-02-11. Review status: criteria provided, single submitter. Criteria: Ambry Variant Classification Scheme 2023. Collection method: clinical testing. Allele origin: germline.

Genetic Services Laboratory, University of Chicago
Classification: Likely benign. Last evaluated: 2015-10-20. Review status: criteria provided, single submitter. Criteria: ACMG Guidelines, 2015. Collection method: clinical testing. Allele origin: germline. Affected: no.